The following is an entry in ClinVar:

NM_006348.5(COG5):c.43G>C (p.Ala15Pro)

Gene: COG5 (component of oligomeric golgi complex 5; minus strand). Cytogenetic location: 7q22.3.
Variant type: single nucleotide variant.
Coding change: c.43G>C on transcript NM_006348.5 (MANE Select); coding-DNA position 43, G replaced by C.
Protein change: p.Ala15Pro; replaces alanine 15 with proline.
Molecular consequence: missense variant.
Genome position (GRCh38, 1-based): chr7:107,563,854, C>G on the plus strand (G>C on the coding strand, the complement: COG5 is on the minus strand). VCF-style: chr7-107563854-C-G. GRCh37 (hg19) VCF-style: chr7-107204299-C-G.
Other names: c.43G>C, p.Ala15Pro (NM_001161520.2, NM_001379511.1, NM_001379512.1 and 5 more transcripts); short protein forms A15P.
Identifiers: ClinVar variation 1897059 (VCV001897059.5), dbSNP rs142899344, ClinGen allele CA4431575.

ClinVar aggregate classification (germline): Uncertain significance (1 of 4 stars; one submission).

Conditions:
COG5-congenital disorder of glycosylation. Also called: CDG IIi; COG5-CDG; CONGENITAL DISORDER OF GLYCOSYLATION, TYPE IIi. Identifiers: Orphanet 263487, MedGen C3150876, MONDO:0013325, OMIM 613612.

Allele frequency attached by ClinVar (database versions not stated): ExAC 0.00001; ESP Exome Variant Server 0.00008.
gnomAD v4.1: 5 of 1,613,596 alleles (0.00031%); highest among the groups gnomAD compares: African/African-American, 0.0067%; no homozygotes.

Submission:

Labcorp Genetics (formerly Invitae), Labcorp
Classification: Uncertain significance for COG5-congenital disorder of glycosylation. Last evaluated: 2022-06-07. Review status: criteria provided, single submitter. Criteria: Invitae Variant Classification Sherloc (09022015). Collection method: clinical testing. Allele origin: germline.
Comment: This sequence change replaces alanine, which is neutral and non-polar, with proline, which is neutral and non-polar, at codon 46 of the COG5 protein (p.Ala46Pro). This variant is present in population databases (rs142899344, gnomAD 0.009%). This variant has not been reported in the literature in individuals affected with COG5-related conditions. Algorithms developed to predict the effect of missense changes on protein structure and function (SIFT, PolyPhen-2, Align-GVGD) all suggest that this variant is likely to be tolerated. In summary, the available evidence is currently insufficient to determine the role of this variant in disease. Therefore, it has been classified as a Variant of Uncertain Significance.